The following is an entry in ClinVar:

NM_004525.3(LRP2):c.13891C>G (p.Pro4631Ala)

Gene: LRP2 (LDL receptor related protein 2; minus strand). Cytogenetic location: 2q31.1.
Variant type: single nucleotide variant.
Coding change: c.13891C>G on transcript NM_004525.3 (MANE Select); coding-DNA position 13891, C replaced by G.
Protein change: p.Pro4631Ala; replaces proline 4631 with alanine.
Molecular consequence: missense variant.
Genome position (GRCh38, 1-based): chr2:169,128,740, G>C on the plus strand (C>G on the coding strand, the complement: LRP2 is on the minus strand). VCF-style: chr2-169128740-G-C. GRCh37 (hg19) VCF-style: chr2-169985250-G-C.
Other names: short protein forms P4631A.
Identifiers: ClinVar variation 1394583 (VCV001394583.6), dbSNP rs2105321999, ClinGen allele CA349148129.

ClinVar aggregate classification (germline): Uncertain significance (1 of 4 stars; one submission).

Allele frequency attached by ClinVar (database versions not stated): gnomAD exomes below 0.00001.
gnomAD v4.1: 1 of 1,614,050 alleles (0.000062%); highest among the groups gnomAD compares: Non-Finnish European, 0.000085%; no homozygotes.

Submission:

Labcorp Genetics (formerly Invitae), Labcorp
Classification: Uncertain significance. Last evaluated: 2022-03-09. Review status: criteria provided, single submitter. Criteria: Invitae Variant Classification Sherloc (09022015). Collection method: clinical testing. Allele origin: germline.
Comment: In summary, the available evidence is currently insufficient to determine the role of this variant in disease. Therefore, it has been classified as a Variant of Uncertain Significance. Advanced modeling of protein sequence and biophysical properties (such as structural, functional, and spatial information, amino acid conservation, physicochemical variation, residue mobility, and thermodynamic stability) performed at Invitae indicates that this missense variant is not expected to disrupt LRP2 protein function. This variant has not been reported in the literature in individuals affected with LRP2-related conditions. This variant is not present in population databases (gnomAD no frequency). This sequence change replaces proline, which is neutral and non-polar, with alanine, which is neutral and non-polar, at codon 4631 of the LRP2 protein (p.Pro4631Ala).